The following is an entry in ClinVar:

ClinVar aggregate classification (germline): Uncertain significance (1 of 4 stars; one submission).

Conditions:
Hereditary cancer-predisposing syndrome. Also called: Tumor predisposition; Hereditary neoplastic syndrome; Hereditary Cancer Syndrome; Neoplastic Syndromes, Hereditary. Identifiers: Orphanet 140162, MedGen C0027672, MeSH D009386, MONDO:0015356.

Submission:

Ambry Genetics
Classification: Uncertain significance for Hereditary cancer-predisposing syndrome. Last evaluated: 2025-03-20. Review status: criteria provided, single submitter. Criteria: Ambry Variant Classification Scheme 2023. Collection method: clinical testing. Allele origin: germline.
Comment: The p.D850E variant (also known as c.2550C>A), located in coding exon 14 of the RET gene, results from a C to A substitution at nucleotide position 2550. The aspartic acid at codon 850 is replaced by glutamic acid, an amino acid with highly similar properties. This amino acid position is highly conserved in available vertebrate species. In addition, the in silico prediction for this alteration is inconclusive. Based on the available evidence, the clinical significance of this variant remains unclear.

NM_020975.6(RET):c.2550C>A (p.Asp850Glu)

Gene: RET (ret proto-oncogene; plus strand). Cytogenetic location: 10q11.21.
Variant type: single nucleotide variant.
Coding change: c.2550C>A on transcript NM_020975.6 (MANE Select); coding-DNA position 2550, C replaced by A.
Protein change: p.Asp850Glu; replaces aspartic acid 850 with glutamic acid.
Molecular consequence: missense variant.
Genome position (GRCh38, 1-based): chr10:43,119,688, C>A. VCF-style: chr10-43119688-C-A. GRCh37 (hg19) VCF-style: chr10-43615136-C-A.
Other names: c.1788C>A, p.Asp596Glu (NM_001355216.2); c.2550C>A, p.Asp850Glu (NM_001406743.1, NM_001406744.1, NM_001406759.1 and 2 more transcripts); c.2421C>A, p.Asp807Glu (NM_001406761.1, NM_001406762.1, NM_001406764.1); c.1524C>A, p.Asp508Glu (NM_001406783.1, NM_001406786.1); c.1560C>A, p.Asp520Glu (NM_001406784.1); c.1533C>A, p.Asp511Glu (NM_001406785.1); c.1518C>A, p.Asp506Glu (NM_001406787.1); c.1365C>A, p.Asp455Glu (NM_001406788.1, NM_001406789.1, NM_001406790.1); and 10 more; short protein forms D367E, D551E, D608E, D805E, D807E, D455E, D596E, D415E.
Identifiers: ClinVar variation 3944676 (VCV003944676.1).